The following is an entry in ClinVar:

NM_001080517.3(SETD5):c.2030C>G (p.Ser677Cys)

Gene: SETD5 (SET domain containing 5; plus strand). Cytogenetic location: 3p25.3.
Variant type: single nucleotide variant.
Coding change: c.2030C>G on transcript NM_001080517.3 (MANE Select); coding-DNA position 2030, C replaced by G.
Protein change: p.Ser677Cys; replaces serine 677 with cysteine.
Molecular consequence: missense variant.
Genome position (GRCh38, 1-based): chr3:9,447,933, C>G. VCF-style: chr3-9447933-C-G. GRCh37 (hg19) VCF-style: chr3-9489617-C-G.
Other names: c.1736C>G, p.Ser579Cys (NM_001292043.2, NM_001349451.2); short protein forms S579C, S677C.
Identifiers: ClinVar variation 2636338 (VCV002636338.1), dbSNP rs1352355513, ClinGen allele CA351699511.

ClinVar aggregate classification (germline): Uncertain significance (1 of 4 stars; one submission).

Conditions:
SETD5-related disorder. Also called: SETD5-related disorders; SETD5-related condition.

Allele frequency attached by ClinVar (database versions not stated): TOPMed below 0.00001.
gnomAD v4.1: 1 of 1,613,946 alleles (0.000062%); highest among the groups gnomAD compares: Non-Finnish European, 0.000085%; no homozygotes.

Submission:

PreventionGenetics, part of Exact Sciences
Classification: Uncertain significance for SETD5-related condition. Last evaluated: 2022-08-25. Review status: criteria provided, single submitter. Criteria: ACMG Guidelines, 2015. Collection method: clinical testing. Allele origin: germline.
Comment: The SETD5 c.2030C>G variant is predicted to result in the amino acid substitution p.Ser677Cys. To our knowledge, this variant has not been reported in the literature or in a large population database, indicating this variant is rare. At this time, the clinical significance of this variant is uncertain due to the absence of conclusive functional and genetic evidence.